The following is an entry in ClinVar:

ClinVar aggregate classification (germline): Uncertain significance. Review status: criteria provided, multiple submitters, no conflicts (2 of 4 stars). 4 submissions from 4 submitters: Uncertain significance (4). Last evaluated 2025-11-15.

Conditions:
Collagen 6-related myopathy. Identifiers: MedGen CN117976, MONDO:0100225.
Bethlem myopathy 1A. Also called: MYOPATHY, BENIGN CONGENITAL, WITH CONTRACTURES; Bethlem myopathy 1; Bethlem Muscular Dystrophy. Identifiers: Orphanet 610, MedGen CN029274, MONDO:0024530, OMIM 158810.

Allele frequency attached by ClinVar (database versions not stated): gnomAD 0.00001; gnomAD exomes 0.00001; TOPMed 0.00001; ExAC 0.00001.
gnomAD v4.1: 19 of 1,612,924 alleles (0.0012%); highest among the groups gnomAD compares: Middle Eastern, 0.016%; no homozygotes.

Submissions (4):

Labcorp Genetics (formerly Invitae), Labcorp
Classification: Uncertain significance for Bethlem myopathy 1A. Last evaluated: 2025-11-15. Review status: criteria provided, single submitter. Criteria: Invitae Variant Classification Sherloc (09022015). Collection method: clinical testing. Allele origin: germline.
Comment: This sequence change replaces aspartic acid, which is acidic and polar, with asparagine, which is neutral and polar, at codon 315 of the COL6A2 protein (p.Asp315Asn). This variant is present in population databases (rs759838639, gnomAD 0.003%). This missense change has been observed in individual(s) with Bethlem myopathy and/or Ullrich congenital muscular dystrophy (PMID: 34167565). ClinVar contains an entry for this variant (Variation ID: 897931). Invitae Evidence Modeling of protein sequence and biophysical properties (such as structural, functional, and spatial information, amino acid conservation, physicochemical variation, residue mobility, and thermodynamic stability) indicates that this missense variant is not expected to disrupt COL6A2 protein function with a negative predictive value of 80%. In summary, the available evidence is currently insufficient to determine the role of this variant in disease. Therefore, it has been classified as a Variant of Uncertain Significance.

CeGaT Center for Human Genetics Tuebingen
Classification: Uncertain significance. Last evaluated: 2023-03-01. Review status: criteria provided, single submitter. Criteria: CeGaT Center For Human Genetics Tuebingen Variant Classification Criteria Version 2. Collection method: clinical testing. Allele origin: germline. Affected: yes. Observed: 1 variant allele.
Comment: COL6A2: PS4:Moderate, PM2:Supporting

Revvity Omics, Revvity
Classification: Uncertain significance. Last evaluated: 2021-08-26. Review status: criteria provided, single submitter. Criteria: ACMG Guidelines, 2015. Collection method: clinical testing. Allele origin: germline.

Illumina Laboratory Services, Illumina
Classification: Uncertain significance for Collagen VI-related myopathy. Last evaluated: 2018-01-13. Review status: criteria provided, single submitter. Criteria: ICSL Variant Classification Criteria 13 December 2019. Collection method: clinical testing. Allele origin: germline.

Literature cited by the submitters: PubMed 34167565 (cited by Labcorp Genetics (formerly Invitae), Labcorp).

NM_001849.4(COL6A2):c.943G>A (p.Asp315Asn)

Gene: COL6A2 (collagen type VI alpha 2 chain; plus strand). Cytogenetic location: 21q22.3.
Variant type: single nucleotide variant.
Coding change: c.943G>A on transcript NM_001849.4 (MANE Select); coding-DNA position 943, G replaced by A.
Protein change: p.Asp315Asn; replaces aspartic acid 315 with asparagine.
Molecular consequence: missense variant.
Genome position (GRCh38, 1-based): chr21:46,116,666, G>A. VCF-style: chr21-46116666-G-A. GRCh37 (hg19) VCF-style: chr21-47536580-G-A.
Other names: c.943G>A, p.Asp315Asn (NM_058174.3, NM_058175.3); short protein forms D315N.
Identifiers: ClinVar variation 897931 (VCV000897931.36), dbSNP rs759838639, ClinGen allele CA10071560.